The following is an entry in ClinVar:

ClinVar aggregate classification (germline): Uncertain significance (1 of 4 stars; one submission).

Conditions:
Mitochondrial disease. Also called: Mitochondrial disorder; Mitochondrial disorders. Identifiers: Orphanet 68380, MedGen C0751651, MeSH D028361, MONDO:0044970.

gnomAD v4.1: 24 of 1,613,602 alleles (0.0015%); highest among the groups gnomAD compares: Admixed American, 0.025%; no homozygotes.

Submission:

Dasa
Classification: Uncertain significance for mitochondrial disease. Last evaluated: 2025-11-07. Review status: criteria provided, single submitter. Criteria: DASA Assertion Criteria. Collection method: clinical testing. Allele origin: germline.
Comment: NM_017446.4(MRPL39):c.181C>T (p.Arg61*) is a nonsense variant in MRPL39 predicted to introduce a premature termination codon and is predicted to result in an absent or altered protein product. This variant is rare in population databases. The currently available literature and clinical evidence are not sufficient to establish a definitive association between this variant and the reported condition. Therefore, this variant is classified as a variant of uncertain significance.

NM_017446.4(MRPL39):c.181C>T (p.Arg61Ter)

Gene: MRPL39 (mitochondrial ribosomal protein L39; minus strand). Cytogenetic location: 21q21.3.
Variant type: single nucleotide variant.
Coding change: c.181C>T on transcript NM_017446.4 (MANE Select); coding-DNA position 181, C replaced by T.
Protein change: p.Arg61Ter; replaces arginine 61 with a stop codon.
Molecular consequence: nonsense.
Genome position (GRCh38, 1-based): chr21:25,606,548, G>A on the plus strand (C>T on the coding strand, the complement: MRPL39 is on the minus strand). VCF-style: chr21-25606548-G-A. GRCh37 (hg19) VCF-style: chr21-26978860-G-A.
Other names: c.181C>T, p.Arg61Ter (NM_080794.4); short protein forms R61*.
Identifiers: ClinVar variation 4883743 (VCV004883743.2).